The following is an entry in ClinVar:

NM_001077418.3(TMEM231):c.909A>C (p.Thr303=)

Gene: TMEM231 (transmembrane protein 231; minus strand). Cytogenetic location: 16q23.1.
Variant type: single nucleotide variant.
Coding change: c.909A>C on transcript NM_001077418.3 (MANE Select); coding-DNA position 909, A replaced by C.
Protein change: p.Thr303=; no amino-acid change (threonine 303 retained).
Molecular consequence: synonymous variant. On other transcripts: non-coding transcript variant (1).
Genome position (GRCh38, 1-based): chr16:75,540,036, T>G on the plus strand (A>C on the coding strand, the complement: TMEM231 is on the minus strand). VCF-style: chr16-75540036-T-G. GRCh37 (hg19) VCF-style: chr16-75573934-T-G.
Other names: c.1068A>C, p.Thr356= (NM_001077416.2).
Identifiers: ClinVar variation 3026875 (VCV003026875.21), dbSNP rs2507318870, ClinGen allele CA496578170.

ClinVar aggregate classification (germline): Likely benign (1 of 4 stars; one submission).

Submission:

CeGaT Center for Human Genetics Tuebingen
Classification: Likely benign. Last evaluated: 2024-01-01. Review status: criteria provided, single submitter. Criteria: CeGaT Center For Human Genetics Tuebingen Variant Classification Criteria Version 2. Collection method: clinical testing. Allele origin: germline. Affected: yes. Observed: 1 variant allele.
Comment: TMEM231: PM2:Supporting, BP4, BP7